The following is an entry in ClinVar:

ClinVar aggregate classification (germline): Uncertain significance (1 of 4 stars; one submission).

Conditions:
Renal cell carcinoma. Identifiers: Orphanet 217071, MedGen C0007134, MeSH D002292, MONDO:0005086, HP:0005584.

Submission:

Labcorp Genetics (formerly Invitae), Labcorp
Classification: Uncertain significance for Renal cell carcinoma. Last evaluated: 2026-01-05. Review status: criteria provided, single submitter. Criteria: Invitae Variant Classification Sherloc (09022015). Collection method: clinical testing. Allele origin: germline.
Comment: This sequence change replaces threonine, which is neutral and polar, with serine, which is neutral and polar, at codon 1054 of the MET protein (p.Thr1054Ser). This variant is not present in population databases (gnomAD no frequency). This variant has not been reported in the literature in individuals affected with MET-related conditions. ClinVar contains an entry for this variant (Variation ID: 2007778). An algorithm developed to predict the effect of missense changes on protein structure and function outputs the following: PolyPhen-2: "Benign". The serine amino acid residue is found in multiple mammalian species, which suggests that this missense change does not adversely affect protein function. In summary, the available evidence is currently insufficient to determine the role of this variant in disease. Therefore, it has been classified as a Variant of Uncertain Significance.

NM_000245.4(MET):c.3106A>T (p.Thr1036Ser)

Gene: MET (MET proto-oncogene, receptor tyrosine kinase; plus strand). Cytogenetic location: 7q31.2.
Variant type: single nucleotide variant.
Coding change: c.3106A>T on transcript NM_000245.4 (MANE Select); coding-DNA position 3106, A replaced by T.
Protein change: p.Thr1036Ser; replaces threonine 1036 with serine.
Molecular consequence: missense variant.
Genome position (GRCh38, 1-based): chr7:116,774,958, A>T. VCF-style: chr7-116774958-A-T. GRCh37 (hg19) VCF-style: chr7-116415012-A-T.
Other names: c.3160A>T, p.Thr1054Ser (NM_001127500.3); c.1816A>T, p.Thr606Ser (NM_001324402.2); short protein forms T606S, T1036S, T1054S.
Identifiers: ClinVar variation 2007778 (VCV002007778.4), dbSNP rs2117030488, ClinGen allele CA368988127.
Genomic context (GRCh38, chr7:116,774,958, plus strand): 5'-TCTCAGAACGGTTCATGCCGACAAGTGCAGTATCCTCTGACAGACATGTCCCCCATCCTA[A>T]CTAGTGGGGACTCTGATATATCCAGTCCATTACTGCAAAATACTGTCCACATTGACCTCA-3'
Protein context (NP_000236.2, residues 1026-1046): YPLTDMSPIL[Thr1036Ser]SGDSDISSPL